The following is an entry in ClinVar:

NM_152617.4(RNF168):c.644del (p.Ser215fs)

Gene: RNF168 (ring finger protein 168; minus strand). Cytogenetic location: 3q29.
Variant type: Deletion.
Coding change: c.644del on transcript NM_152617.4 (MANE Select); coding-DNA position 644, one base deleted (G; older notation c.644delG).
Protein change: p.Ser215fs; shifts the reading frame from serine 215.
Molecular consequence: frameshift variant.
Genome position (GRCh38, 1-based): chr3:196,483,806, C deleted on the plus strand (G on the coding strand, the reverse complement: RNF168 is on the minus strand). VCF-style (leftmost placement, unchanged base first): chr3-196483805-AC-A. GRCh37 (hg19) VCF-style: chr3-196210676-AC-A.
Other names: short protein forms S215fs.
Identifiers: ClinVar variation 1394900 (VCV001394900.6), dbSNP rs749265205, ClinGen allele CA2780866.

ClinVar aggregate classification (germline): Pathogenic (1 of 4 stars; one submission).

Allele frequency attached by ClinVar (database versions not stated): gnomAD 0.00001; gnomAD exomes 0.00001 and 0.00005; TOPMed 0.00003; ExAC 0.00005.

Submission:

Labcorp Genetics (formerly Invitae), Labcorp
Classification: Pathogenic. Last evaluated: 2025-10-21. Review status: criteria provided, single submitter. Criteria: Invitae Variant Classification Sherloc (09022015). Collection method: clinical testing. Allele origin: germline.
Comment: This sequence change creates a premature translational stop signal (p.Ser215Ilefs*15) in the RNF168 gene. It is expected to result in an absent or disrupted protein product. Loss-of-function variants in RNF168 are known to be pathogenic (PMID: 19203578, 21394101). This variant is present in population databases (rs749265205, gnomAD 0.03%). This variant has not been reported in the literature in individuals affected with RNF168-related conditions. ClinVar contains an entry for this variant (Variation ID: 1394900). For these reasons, this variant has been classified as Pathogenic.

Literature cited by the submitters: PubMed 19203578; PubMed 21394101.